The following is an entry in ClinVar:

ClinVar aggregate classification (germline): Uncertain significance. Review status: criteria provided, multiple submitters, no conflicts (2 of 4 stars). 2 submissions from 2 submitters: Uncertain significance (2). Last evaluated 2022-09-06.

Conditions:
Inborn genetic diseases. Identifiers: MedGen C0950123, MeSH D030342.

Allele frequency attached by ClinVar (database versions not stated): gnomAD 0.00001; TOPMed 0.00002.

Submissions (2):

Ambry Genetics
Classification: Uncertain significance for Inborn genetic diseases. Last evaluated: 2022-09-06. Review status: criteria provided, single submitter. Criteria: Ambry Variant Classification Scheme 2023. Collection method: clinical testing. Allele origin: germline.

Labcorp Genetics (formerly Invitae), Labcorp
Classification: Uncertain significance. Last evaluated: 2021-04-15. Review status: criteria provided, single submitter. Criteria: Invitae Variant Classification Sherloc (09022015). Collection method: clinical testing. Allele origin: germline.
Comment: This sequence change replaces arginine with glutamine at codon 15 of the CCDC8 protein (p.Arg15Gln). The arginine residue is highly conserved and there is a small physicochemical difference between arginine and glutamine. This variant is not present in population databases (ExAC no frequency). This variant has not been reported in the literature in individuals with CCDC8-related conditions. Algorithms developed to predict the effect of missense changes on protein structure and function are either unavailable or do not agree on the potential impact of this missense change (SIFT: "Deleterious"; PolyPhen-2: "Probably Damaging"; Align-GVGD: "Class C0"). In summary, the available evidence is currently insufficient to determine the role of this variant in disease. Therefore, it has been classified as a Variant of Uncertain Significance.

NM_032040.5(CCDC8):c.44G>A (p.Arg15Gln)

Gene: CCDC8 (coiled-coil domain containing 8; minus strand). Cytogenetic location: 19q13.32.
Variant type: single nucleotide variant.
Coding change: c.44G>A on transcript NM_032040.5 (MANE Select); coding-DNA position 44, G replaced by A.
Protein change: p.Arg15Gln; replaces arginine 15 with glutamine.
Molecular consequence: missense variant.
Genome position (GRCh38, 1-based): chr19:46,412,767, C>T on the plus strand (G>A on the coding strand, the complement: CCDC8 is on the minus strand). VCF-style: chr19-46412767-C-T. GRCh37 (hg19) VCF-style: chr19-46916024-C-T.
Other names: c.44G>A (NM_032040.3); short protein forms R15Q.
Identifiers: ClinVar variation 1345591 (VCV001345591.8), dbSNP rs1973251099, ClinGen allele CA406464407.
Genomic context (GRCh38, chr19:46,412,767, plus strand): 5'-GCTTCCTTGGTGGCGGGCTTAGAGATGACTCTCCAGACGCCCCCAGCCAGCCTGACCTCC[C>T]GGGGGATGAGCAAATAGTCGACGTCCTCCCCGATCTGCAGCATCCCCACCGTGGAGTCCT-3'
Protein context (NP_114429.2, residues 5-25): GEDVDYLLIP[Arg15Gln]EVRLAGGVWR